The following is an entry in ClinVar:

ClinVar aggregate classification (germline): Uncertain significance (1 of 4 stars; one submission).

Conditions:
Progressive myoclonic epilepsy type 5. Identifiers: Orphanet 402082, MedGen C5190799.

Allele frequency attached by ClinVar (database versions not stated): TOPMed 0.00003; gnomAD 0.00006 and 0.00007; gnomAD exomes 0.00007; ExAC 0.00010.
gnomAD v4.1: 81 of 1,613,956 alleles (0.005%); highest among the groups gnomAD compares: Middle Eastern, 0.016%; no homozygotes.

Submission:

Labcorp Genetics (formerly Invitae), Labcorp
Classification: Uncertain significance for Progressive myoclonic epilepsy type 5. Last evaluated: 2023-08-14. Review status: criteria provided, single submitter. Criteria: Invitae Variant Classification Sherloc (09022015). Collection method: clinical testing. Allele origin: germline.
Comment: In summary, the available evidence is currently insufficient to determine the role of this variant in disease. Therefore, it has been classified as a Variant of Uncertain Significance. An algorithm developed to predict the effect of missense changes on protein structure and function (PolyPhen-2) suggests that this variant is likely to be tolerated. ClinVar contains an entry for this variant (Variation ID: 861941). This variant has not been reported in the literature in individuals affected with PRICKLE2-related conditions. This variant is present in population databases (rs751661338, gnomAD 0.01%). This sequence change replaces methionine, which is neutral and non-polar, with threonine, which is neutral and polar, at codon 486 of the PRICKLE2 protein (p.Met486Thr).

NM_198859.4(PRICKLE2):c.1457T>C (p.Met486Thr)

Gene: PRICKLE2 (prickle planar cell polarity protein 2; minus strand). Cytogenetic location: 3p14.1.
Variant type: single nucleotide variant.
Coding change: c.1457T>C on transcript NM_198859.4 (MANE Select); coding-DNA position 1457, T replaced by C.
Protein change: p.Met486Thr; replaces methionine 486 with threonine.
Molecular consequence: missense variant.
Genome position (GRCh38, 1-based): chr3:64,147,033, A>G on the plus strand (T>C on the coding strand, the complement: PRICKLE2 is on the minus strand). VCF-style: chr3-64147033-A-G. GRCh37 (hg19) VCF-style: chr3-64132709-A-G.
Other names: c.1457T>C, p.Met486Thr (NM_001370528.1); short protein forms M486T.
Identifiers: ClinVar variation 861941 (VCV000861941.7), dbSNP rs751661338, ClinGen allele CA2479624.